The following is an entry in ClinVar:

NM_002878.4(RAD51D):c.973G>A (p.Gly325Ser)

Genes: RAD51D (RAD51 paralog D; minus strand), RAD51L3-RFFL (RAD51L3-RFFL readthrough; minus strand). Cytogenetic location: 17q12.
Variant type: single nucleotide variant.
Coding change: c.973G>A on transcript NM_002878.4 (MANE Select); coding-DNA position 973, G replaced by A.
Protein change: p.Gly325Ser; replaces glycine 325 with serine.
Molecular consequence: missense variant. On other transcripts: non-coding transcript variant (2).
Genome position (GRCh38, 1-based): chr17:35,100,967, C>T on the plus strand (G>A on the coding strand, the complement: RAD51D is on the minus strand). VCF-style: chr17-35100967-C-T. GRCh37 (hg19) VCF-style: chr17-33427986-C-T.
Other names: p.G325S:GGT>AGT; c.1033G>A, p.Gly345Ser (NM_001142571.2); c.637G>A, p.Gly213Ser (NM_133629.3); short protein forms G325S, G213S, G345S.
Identifiers: ClinVar variation 127898 (VCV000127898.42), dbSNP rs587780106, ClinGen allele CA287999.

ClinVar aggregate classification (germline): Conflicting classifications of pathogenicity. Review status: criteria provided, conflicting classifications (1 of 4 stars). 13 submissions from 13 submitters: Uncertain significance (11); Likely benign (2). Last evaluated 2026-02-03.

Conditions:
RAD51D-related disorder. Also called: RAD51D-related condition.
Hereditary cancer-predisposing syndrome. Also called: Neoplastic Syndromes, Hereditary; Tumor predisposition; Hereditary Cancer Syndrome; Hereditary neoplastic syndrome. Identifiers: Orphanet 140162, MedGen C0027672, MeSH D009386, MONDO:0015356.
Breast-ovarian cancer, familial, susceptibility to, 4. Identifiers: Orphanet 145, MedGen C3280345, MONDO:0013669, OMIM 614291.
Hereditary breast ovarian cancer syndrome. Also called: BRCA1- and BRCA2-Associated Hereditary Breast and Ovarian Cancer; Hereditary breast and ovarian cancer; Hereditary breast and ovarian cancer syndrome; Hereditary breast and ovarian cancer syndrome (HBOC); Breast and ovarian cancer; Hereditary breast and/or ovarian cancer syndrome. Identifiers: Orphanet 145, MedGen C0677776, MeSH D061325, MONDO:0003582. Disease mechanism: loss of function.

Allele frequency attached by ClinVar (database versions not stated): gnomAD exomes 0.00001; gnomAD 0.00007 and 0.00008; TOPMed 0.00024.

Submissions (13):

Labcorp Genetics (formerly Invitae), Labcorp
Classification: Uncertain significance for Breast-ovarian cancer, familial, susceptibility to, 4. Last evaluated: 2026-02-03. Review status: criteria provided, single submitter. Criteria: Invitae Variant Classification Sherloc (09022015). Collection method: clinical testing. Allele origin: germline.
Comment: This sequence change replaces glycine, which is neutral and non-polar, with serine, which is neutral and polar, at codon 325 of the RAD51D protein (p.Gly325Ser). This variant is present in population databases (rs587780106, gnomAD 0.003%). This missense change has been observed in individual(s) with breast cancer (PMID: 25186627, 35264596, 35980532). ClinVar contains an entry for this variant (Variation ID: 127898). An algorithm developed to predict the effect of missense changes on protein structure and function (PolyPhen-2) suggests that this variant is likely to be tolerated. In summary, the available evidence is currently insufficient to determine the role of this variant in disease. Therefore, it has been classified as a Variant of Uncertain Significance.

PreventionGenetics, part of Exact Sciences
Classification: Uncertain significance for RAD51D-related condition. Last evaluated: 2025-12-23. Review status: criteria provided, single submitter. Criteria: ACMG Guidelines, 2015. Collection method: clinical testing. Allele origin: germline.
Comment: The RAD51D c.973G>A variant is predicted to result in the amino acid substitution p.Gly325Ser. This variant, along with a PMS2 variant of uncertain significance, has been observed in an individual undergoing Lynch syndrome testing (Table S2, Yurgelun et al. 2015. PubMed ID: 25980754) and was also reported as a variant of uncertain significance in individuals with breast cancer (Supp. Info 2 in Tung et al. 2014. PubMed ID: 25186627; Table S3, Guindalini et al 2022. PubMed ID: 35264596; Pereira et al. 2022. PubMed ID: 35980532). This variant is reported in 0.0058% of alleles in individuals of Latino descent in gnomAD and has conflicting interpretations of uncertain and likely benign in ClinVar (Variation ID: 127898). At this time, the clinical significance of this variant is uncertain due to the absence of conclusive functional and genetic evidence.

Quest Diagnostics Nichols Institute San Juan Capistrano
Classification: Uncertain significance. Last evaluated: 2025-09-09. Review status: criteria provided, single submitter. Criteria: Quest Diagnostics criteria. Collection method: clinical testing. Allele origin: unknown.
Comment: The RAD51D c.973G>A (p.Gly325Ser) variant has been reported in the published literature in individuals with suspected Lynch syndrome (PMID: 25980754 (2015)), and a personal and/or family history of breast cancer (PMID: 35980532 (2022), 35264596 (2022), 25186627 (2015)). The frequency of this variant in the general population (Genome Aggregation Database) is uninformative in the assessment of its pathogenicity. Analysis of this variant using bioinformatics tools for the prediction of the effect of amino acid changes on protein structure and function yielded predictions that this variant is benign. Based on the available information, we are unable to determine the clinical significance of this variant.

Women's Health and Genetics/Laboratory Corporation of America, LabCorp
Classification: Uncertain significance. Last evaluated: 2025-02-27. Review status: criteria provided, single submitter. Criteria: LabCorp Variant Classification Summary - May 2015. Collection method: clinical testing. Allele origin: germline.
Comment: Variant summary: RAD51D c.973G>A (p.Gly325Ser) results in a non-conservative amino acid change in the encoded protein sequence. Four of five in-silico tools predict a benign effect of the variant on protein function. The variant allele was found at a frequency of 8e-06 in 251494 control chromosomes. The available data on variant occurrences in the general population are insufficient to allow any conclusion about variant significance. c.973G>A has been reported in the literature in individuals affected with breast cancer and an individual being tested for Lynch syndrome (Tung 2014, Yurgelun 2015, Guindalini_2022, Pereira_2022). These report(s) do not provide unequivocal conclusions about association of the variant with Hereditary Breast And Ovarian Cancer Syndrome. To our knowledge, no experimental evidence demonstrating an impact on protein function has been reported. The following publications have been ascertained in the context of this evaluation (PMID: 35264596, 35980532, 25186627, 25980754). ClinVar contains an entry for this variant (Variation ID: 127898). Based on the evidence outlined above, the variant was classified as uncertain significance.

GeneDx
Classification: Uncertain significance. Last evaluated: 2025-02-03. Review status: criteria provided, single submitter. Criteria: GeneDx Variant Classification Process June 2021. Collection method: clinical testing. Allele origin: germline. Affected: yes.
Comment: Not observed at significant frequency in large population cohorts (gnomAD); In silico analysis indicates that this missense variant does not alter protein structure/function; This variant is associated with the following publications: (PMID: 25186627, 25980754, 35264596, 36922933, 35980532, 14704354, 19327148, 21111057)

Myriad Genetics, Inc.
Classification: Likely benign for Breast-ovarian cancer, familial, susceptibility to, 4. Last evaluated: 2024-12-13. Review status: criteria provided, single submitter. Criteria: Myriad Autosomal Dominant, Autosomal Recessive and X-Linked Classification Criteria (2023). Collection method: clinical testing. Allele origin: unknown.
Comment: This variant is considered likely benign. This variant is strongly associated with less severe personal and family histories of cancer, typical for individuals without pathogenic variants in this gene [PMID: 25085752].

Color Diagnostics, LLC DBA Color Health
Classification: Uncertain significance for Hereditary cancer-predisposing syndrome. Last evaluated: 2024-07-09. Review status: criteria provided, single submitter. Criteria: ACMG Guidelines, 2015. Collection method: clinical testing. Allele origin: germline.
Comment: This missense variant replaces glycine with serine at codon 325 of the RAD51D protein. Computational prediction suggests that this variant may not impact protein structure and function. To our knowledge, functional studies have not been reported for this variant. This variant has been reported in individuals affected with breast cancer (PMID: 25186627, 35264596) and Lynch syndrome-associated cancer and/or polyps (PMID: 25980754). This variant has also been identified in 2/251494 chromosomes in the general population by the Genome Aggregation Database (gnomAD). The available evidence is insufficient to determine the role of this variant in disease conclusively. Therefore, this variant is classified as a Variant of Uncertain Significance.

Baylor Genetics
Classification: Uncertain significance for Breast-ovarian cancer, familial, susceptibility to, 4. Last evaluated: 2024-03-24. Review status: criteria provided, single submitter. Criteria: ACMG Guidelines, 2015. Collection method: clinical testing. Allele origin: unknown.

Ambry Genetics
Classification: Likely benign for Hereditary cancer-predisposing syndrome. Last evaluated: 2024-02-12. Review status: criteria provided, single submitter. Criteria: Ambry Variant Classification Scheme 2023. Collection method: clinical testing. Allele origin: germline.

Fulgent Genetics
Classification: Uncertain significance for Breast-ovarian cancer, familial, susceptibility to, 4. Last evaluated: 2024-01-24. Review status: criteria provided, single submitter. Criteria: ACMG Guidelines, 2015. Collection method: clinical testing. Allele origin: germline.

Laboratorio de Genetica e Diagnostico Molecular, Hospital Israelita Albert Einstein
Classification: Uncertain significance for Breast-ovarian cancer, familial, susceptibility to, 4. Last evaluated: 2022-07-05. Review status: criteria provided, single submitter. Criteria: ACMG Guidelines, 2015. Collection method: clinical testing. Allele origin: germline. Affected: yes. Observed: 1 variant allele.
Comment: ACMG classification criteria: BP4 supporting

Sema4
Classification: Uncertain significance for Hereditary cancer-predisposing syndrome. Last evaluated: 2021-08-13. Review status: criteria provided, single submitter. Criteria: Sema4 Curation Guidelines. Collection method: curation. Allele origin: germline.
Comment: The RAD51D c.973G>A (p.G325S) variant has been reported in at least one individual with with breast cancer and at least one individual with a Lynch syndrome-associated cancer (PMID: 25186627, 25980754). It was observed in 2/34592 chromosomes of the Latino subpopulation in the large and broad cohorts of the Genome Aggregation Database (PMID: 32461654). The variant has been reported in ClinVar (Variation ID 127898). In silico tools suggest the impact of the variant on protein function is benign, though these predictions have not been confirmed by functional studies. The evidence is insufficient to meet ACMG/AMP criteria for classifying the variant as benign or pathogenic. Thus, the clinical significance of this variant is currently uncertain.

Mendelics
Classification: Uncertain significance for Hereditary breast and ovarian cancer syndrome. Last evaluated: 2018-07-02. Review status: criteria provided, single submitter. Criteria: Mendelics Assertion Criteria 2017. Collection method: clinical testing. Allele origin: unknown.

Literature cited by the submitters: PubMed 25186627 (cited by 5 submitters); PubMed 35264596 (cited by 4 submitters); PubMed 35980532 (cited by 3 submitters); PubMed 25980754 (cited by 4 submitters); PubMed 36922933 (cited by Quest Diagnostics Nichols Institute San Juan Capistrano); PubMed 25085752 (cited by Myriad Genetics, Inc.).